The following is an entry in ClinVar:

NM_001278512.2(AP3B2):c.551T>C (p.Ile184Thr)

Genes: AP3B2 (adaptor related protein complex 3 subunit beta 2; minus strand), CPEB1-AS1 (CPEB1 antisense RNA 1; plus strand). Cytogenetic location: 15q25.2.
Variant type: single nucleotide variant.
Coding change: c.551T>C on transcript NM_001278512.2 (MANE Select); coding-DNA position 551, T replaced by C.
Protein change: p.Ile184Thr; replaces isoleucine 184 with threonine.
Molecular consequence: missense variant.
Genome position (GRCh38, 1-based): chr15:82,681,149, A>G on the plus strand (T>C on the coding strand, the complement: AP3B2 is on the minus strand). VCF-style: chr15-82681149-A-G. GRCh37 (hg19) VCF-style: chr15-83349901-A-G.
Other names: c.455T>C, p.Ile152Thr (NM_001278511.2); c.551T>C, p.Ile184Thr (NM_004644.5); short protein forms I152T, I184T.
Identifiers: ClinVar variation 1383673 (VCV001383673.6), dbSNP rs762190371, ClinGen allele CA7700455.

ClinVar aggregate classification (germline): Uncertain significance (1 of 4 stars; one submission).

Allele frequency attached by ClinVar (database versions not stated): gnomAD exomes below 0.00001 and 0.00001; TOPMed below 0.00001; ExAC 0.00001.
gnomAD v4.1: 8 of 1,613,008 alleles (0.0005%); highest among the groups gnomAD compares: African/African-American, 0.0013%; no homozygotes.

Submission:

Labcorp Genetics (formerly Invitae), Labcorp
Classification: Uncertain significance. Last evaluated: 2024-10-26. Review status: criteria provided, single submitter. Criteria: Invitae Variant Classification Sherloc (09022015). Collection method: clinical testing. Allele origin: germline.
Comment: This sequence change replaces isoleucine, which is neutral and non-polar, with threonine, which is neutral and polar, at codon 184 of the AP3B2 protein (p.Ile184Thr). The frequency data for this variant in the population databases is considered unreliable, as metrics indicate poor data quality at this position in the gnomAD database. This variant has not been reported in the literature in individuals affected with AP3B2-related conditions. ClinVar contains an entry for this variant (Variation ID: 1383673). An algorithm developed to predict the effect of missense changes on protein structure and function (PolyPhen-2) suggests that this variant is likely to be disruptive. In summary, the available evidence is currently insufficient to determine the role of this variant in disease. Therefore, it has been classified as a Variant of Uncertain Significance.